The following is an entry in ClinVar:

NM_014000.3(VCL):c.2039G>A (p.Arg680His)

Gene: VCL (vinculin; plus strand). Cytogenetic location: 10q22.2.
Variant type: single nucleotide variant.
Coding change: c.2039G>A on transcript NM_014000.3 (MANE Select); coding-DNA position 2039, G replaced by A.
Protein change: p.Arg680His; replaces arginine 680 with histidine.
Molecular consequence: missense variant.
Genome position (GRCh38, 1-based): chr10:74,103,836, G>A. VCF-style: chr10-74103836-G-A. GRCh37 (hg19) VCF-style: chr10-75863594-G-A.
Other names: p.Arg680His; c.2039G>A, p.Arg680His (NM_003373.4); short protein forms R680H.
Identifiers: ClinVar variation 845275 (VCV000845275.12), dbSNP rs1840094043, ClinGen allele CA377261117.

ClinVar aggregate classification (germline): Uncertain significance. Review status: criteria provided, multiple submitters, no conflicts (2 of 4 stars). 4 submissions from 4 submitters: Uncertain significance (4). Last evaluated 2026-03-31.

Conditions:
Dilated cardiomyopathy 1W (CMD1W). Identifiers: Orphanet 154, MedGen C1969639, MONDO:0012667, OMIM 611407.
Cardiovascular phenotype. Identifiers: MedGen CN230736.

Allele frequency attached by ClinVar (database versions not stated): TOPMed below 0.00001.

Submissions (4):

GeneDx
Classification: Uncertain significance. Last evaluated: 2026-03-31. Review status: criteria provided, single submitter. Criteria: GeneDx Variant Classification Process June 2021. Collection method: clinical testing. Allele origin: germline.
Comment: Not observed at significant frequency in large population cohorts (gnomAD); In silico analysis supports that this missense variant has a deleterious effect on protein structure/function; Has not been previously published as pathogenic or benign to our knowledge

Ambry Genetics
Classification: Uncertain significance for Cardiovascular phenotype. Last evaluated: 2025-12-05. Review status: criteria provided, single submitter. Criteria: Ambry Variant Classification Scheme 2023. Collection method: clinical testing. Allele origin: germline.
Comment: The p.R680H variant (also known as c.2039G>A), located in coding exon 15 of the VCL gene, results from a G to A substitution at nucleotide position 2039. The arginine at codon 680 is replaced by histidine, an amino acid with highly similar properties. This amino acid position is highly conserved in available vertebrate species. In addition, the in silico prediction for this alteration is inconclusive. Based on the available evidence, the clinical significance of this variant remains unclear.

Mayo Clinic Laboratories, Mayo Clinic
Classification: Uncertain significance. Last evaluated: 2024-08-20. Review status: criteria provided, single submitter. Criteria: ACMG Guidelines, 2015. Collection method: clinical testing. Allele origin: germline. Observed: 1 variant allele.
Comment: PM2

Labcorp Genetics (formerly Invitae), Labcorp
Classification: Uncertain significance for Dilated cardiomyopathy 1W. Last evaluated: 2022-08-16. Review status: criteria provided, single submitter. Criteria: Invitae Variant Classification Sherloc (09022015). Collection method: clinical testing. Allele origin: germline.
Comment: This variant has not been reported in the literature in individuals affected with VCL-related conditions. This variant is not present in population databases (gnomAD no frequency). This sequence change replaces arginine, which is basic and polar, with histidine, which is basic and polar, at codon 680 of the VCL protein (p.Arg680His). In summary, the available evidence is currently insufficient to determine the role of this variant in disease. Therefore, it has been classified as a Variant of Uncertain Significance. Algorithms developed to predict the effect of missense changes on protein structure and function are either unavailable or do not agree on the potential impact of this missense change (SIFT: "Not Available"; PolyPhen-2: "Probably Damaging"; Align-GVGD: "Not Available"). ClinVar contains an entry for this variant (Variation ID: 845275).